The following is an entry in ClinVar:

NM_001099271.2(POC5):c.79C>A (p.Leu27Ile)

Gene: POC5 (POC5 centriolar protein; minus strand). Cytogenetic location: 5q13.3.
Variant type: single nucleotide variant.
Coding change: c.79C>A on transcript NM_001099271.2 (MANE Select); coding-DNA position 79, C replaced by A.
Protein change: p.Leu27Ile; replaces leucine 27 with isoleucine.
Molecular consequence: missense variant.
Genome position (GRCh38, 1-based): chr5:75,712,859, G>T on the plus strand (C>A on the coding strand, the complement: POC5 is on the minus strand). VCF-style: chr5-75712859-G-T. GRCh37 (hg19) VCF-style: chr5-75008684-G-T.
Other names: short protein forms L27I.
Identifiers: ClinVar variation 1967882 (VCV001967882.5), dbSNP rs1001408771, ClinGen allele CA120988419.

ClinVar aggregate classification (germline): Uncertain significance (1 of 4 stars; one submission).

Allele frequency attached by ClinVar (database versions not stated): gnomAD 0.00001.

Submission:

Labcorp Genetics (formerly Invitae), Labcorp
Classification: Uncertain significance. Last evaluated: 2022-03-19. Review status: criteria provided, single submitter. Criteria: Invitae Variant Classification Sherloc (09022015). Collection method: clinical testing. Allele origin: germline.
Comment: In summary, the available evidence is currently insufficient to determine the role of this variant in disease. Therefore, it has been classified as a Variant of Uncertain Significance. Algorithms developed to predict the effect of missense changes on protein structure and function are either unavailable or do not agree on the potential impact of this missense change (SIFT: "Not Available"; PolyPhen-2: "Possibly Damaging"; Align-GVGD: "Not Available"). This variant has not been reported in the literature in individuals affected with POC5-related conditions. This variant is not present in population databases (gnomAD no frequency). This sequence change replaces leucine, which is neutral and non-polar, with isoleucine, which is neutral and non-polar, at codon 27 of the POC5 protein (p.Leu27Ile).